The following is an entry in ClinVar:

ClinVar aggregate classification (germline): Uncertain significance. Review status: criteria provided, multiple submitters, no conflicts (2 of 4 stars). 4 submissions from 4 submitters: Uncertain significance (4). Last evaluated 2024-10-23.

Conditions:
Hereditary cancer-predisposing syndrome. Also called: Neoplastic Syndromes, Hereditary; Hereditary neoplastic syndrome; Tumor predisposition; Hereditary Cancer Syndrome. Identifiers: Orphanet 140162, MedGen C0027672, MeSH D009386, MONDO:0015356.
Ataxia-telangiectasia syndrome (AT). Also called: Ataxia telangiectasia (A-T); Cerebello-oculocutaneous telangiectasia; Immunodeficiency with ataxia telangiectasia; LOUIS-BAR SYNDROME; AT, COMPLEMENTATION GROUP C; ATAXIA-TELANGIECTASIA, FRESNO VARIANT. Identifiers: Orphanet 100, MedGen C0004135, MONDO:0008840, OMIM 208900.

Allele frequency attached by ClinVar (database versions not stated): gnomAD 0.00001; gnomAD exomes 0.00001 and below 0.00001; TOPMed below 0.00001.
gnomAD v4.1: 12 of 1,613,862 alleles (0.00074%); highest among the groups gnomAD compares: African/African-American, 0.0013%; no homozygotes.

Submissions (4):

Labcorp Genetics (formerly Invitae), Labcorp
Classification: Uncertain significance for Ataxia-telangiectasia syndrome. Last evaluated: 2024-10-23. Review status: criteria provided, single submitter. Criteria: Invitae Variant Classification Sherloc (09022015). Collection method: clinical testing. Allele origin: germline.
Comment: This sequence change replaces histidine, which is basic and polar, with arginine, which is basic and polar, at codon 2555 of the ATM protein (p.His2555Arg). This variant is not present in population databases (gnomAD no frequency). This missense change has been observed in individual(s) with ataxia-telangiectasia (PMID: 31731261). ClinVar contains an entry for this variant (Variation ID: 231049). Invitae Evidence Modeling of protein sequence and biophysical properties (such as structural, functional, and spatial information, amino acid conservation, physicochemical variation, residue mobility, and thermodynamic stability) indicates that this missense variant is expected to disrupt ATM protein function with a positive predictive value of 95%. In summary, the available evidence is currently insufficient to determine the role of this variant in disease. Therefore, it has been classified as a Variant of Uncertain Significance.

Ambry Genetics
Classification: Uncertain significance for Hereditary cancer-predisposing syndrome. Last evaluated: 2023-07-14. Review status: criteria provided, single submitter. Criteria: Ambry Variant Classification Scheme 2023. Collection method: clinical testing. Allele origin: germline.
Comment: The p.H2555R variant (also known as c.7664A>G), located in coding exon 51 of the ATM gene, results from an A to G substitution at nucleotide position 7664. The histidine at codon 2555 is replaced by arginine, an amino acid with highly similar properties. This alteration was identified in a patient with ataxia telangiectasia (AT) who was also found to be positive for a truncating alteration in ATM that was classified as pathogenic; however, the phase (cis vs trans) of these two alterations was not determined (Kumar KR et al. Parkinsonism Relat Disord, 2019 12;69:111-118). This amino acid position is highly conserved in available vertebrate species. In addition, this alteration is predicted to be deleterious by in silico analysis. Since supporting evidence is limited at this time, the clinical significance of this alteration remains unclear.

GeneDx
Classification: Uncertain significance. Last evaluated: 2020-12-11. Review status: criteria provided, single submitter. Criteria: GeneDx Variant Classification Process June 2021. Collection method: clinical testing. Allele origin: germline. Affected: yes.
Comment: Not observed at a significant frequency in large population cohorts (Lek et al., 2016); In silico analysis supports that this missense variant has a deleterious effect on protein structure/function; Observed with a pathogenic variant in an individual with features suggestive of ataxia telangiectasia but it is not known whether the variants occurred on the same (in cis) or on different (in trans) chromosomes (Kumar 2019); This variant is associated with the following publications: (PMID: 31731261)

Color Diagnostics, LLC DBA Color Health
Classification: Uncertain significance for Hereditary cancer-predisposing syndrome. Last evaluated: 2019-04-10. Review status: criteria provided, single submitter. Criteria: ACMG Guidelines, 2015. Collection method: clinical testing. Allele origin: germline.

Literature cited by the submitters: PubMed 31731261 (cited by Labcorp Genetics (formerly Invitae), Labcorp and Ambry Genetics).

NM_000051.4(ATM):c.7664A>G (p.His2555Arg)

Genes: ATM (ATM serine/threonine kinase; plus strand), C11orf65 (chromosome 11 open reading frame 65; minus strand). Cytogenetic location: 11q22.3.
Variant type: single nucleotide variant.
Coding change: c.7664A>G on transcript NM_000051.4 (MANE Select); coding-DNA position 7664, A replaced by G.
Protein change: p.His2555Arg; replaces histidine 2555 with arginine.
Molecular consequence: missense variant. On other transcripts: intron variant (2).
Genome position (GRCh38, 1-based): chr11:108,331,913, A>G. VCF-style: chr11-108331913-A-G. GRCh37 (hg19) VCF-style: chr11-108202640-A-G.
Other names: c.7664A>G, p.His2555Arg (NM_001351834.2); c.641-22842T>C (NM_001330368.2); c.*38+3307T>C (NM_001351110.2); short protein forms H2555R.
Identifiers: ClinVar variation 231049 (VCV000231049.18), dbSNP rs876658925, ClinGen allele CA10579266.